The following is an entry in ClinVar:

ClinVar aggregate classification (germline): Uncertain significance (1 of 4 stars; one submission).

Conditions:
Hereditary cancer-predisposing syndrome. Also called: Tumor predisposition; Hereditary neoplastic syndrome; Hereditary Cancer Syndrome; Neoplastic Syndromes, Hereditary. Identifiers: Orphanet 140162, MedGen C0027672, MeSH D009386, MONDO:0015356.

Submission:

Ambry Genetics
Classification: Uncertain significance for Hereditary cancer-predisposing syndrome. Last evaluated: 2025-05-15. Review status: criteria provided, single submitter. Criteria: Ambry Variant Classification Scheme 2023. Collection method: clinical testing. Allele origin: germline.
Comment: The p.G96V variant (also known as c.287G>T), located in coding exon 2 of the PDGFRA gene, results from a G to T substitution at nucleotide position 287. The glycine at codon 96 is replaced by valine, an amino acid with dissimilar properties. This amino acid position is conserved. In addition, the in silico prediction for this alteration is inconclusive. Based on the available evidence, the clinical significance of this variant remains unclear.

NM_006206.6(PDGFRA):c.287G>T (p.Gly96Val)

Gene: PDGFRA (platelet derived growth factor receptor alpha; plus strand). Cytogenetic location: 4q12.
Variant type: single nucleotide variant.
Coding change: c.287G>T on transcript NM_006206.6 (MANE Select); coding-DNA position 287, G replaced by T.
Protein change: p.Gly96Val; replaces glycine 96 with valine.
Molecular consequence: missense variant.
Genome position (GRCh38, 1-based): chr4:54,261,332, G>T. VCF-style: chr4-54261332-G-T. GRCh37 (hg19) VCF-style: chr4-55127499-G-T.
Other names: c.287G>T, p.Gly96Val (NM_001347827.2, NM_001347829.2); c.362G>T, p.Gly121Val (NM_001347828.2); c.326G>T, p.Gly109Val (NM_001347830.2); short protein forms G109V, G121V, G96V.
Identifiers: ClinVar variation 3930216 (VCV003930216.1).